The following is an entry in ClinVar:

NM_175875.5(SIX5):c.776G>T (p.Gly259Val)

Genes: DM1-AS (DM1 locus antisense RNA; plus strand), SIX5 (SIX homeobox 5; minus strand), LOC107075317 (origin of replication in DMPK trinucleotide repeat region; plus strand). Cytogenetic location: 19q13.32.
Variant type: single nucleotide variant.
Coding change: c.776G>T on transcript NM_175875.5 (MANE Select); coding-DNA position 776, G replaced by T.
Protein change: p.Gly259Val; replaces glycine 259 with valine.
Molecular consequence: missense variant. On other transcripts: non-coding transcript variant (1).
Genome position (GRCh38, 1-based): chr19:45,768,069, C>A on the plus strand (G>T on the coding strand, the complement: SIX5 is on the minus strand). VCF-style: chr19-45768069-C-A. GRCh37 (hg19) VCF-style: chr19-46271327-C-A.
Other names: short protein forms G259V.
Identifiers: ClinVar variation 3584010 (VCV003584010.2).

ClinVar aggregate classification (germline): Uncertain significance. Review status: criteria provided, multiple submitters, no conflicts (2 of 4 stars). 2 submissions from 2 submitters: Uncertain significance (2). Last evaluated 2025-04-17.

Conditions:
Branchiootorenal syndrome 2 (BOR2). Identifiers: Orphanet 107, MedGen C1970479, MONDO:0012575, OMIM 610896.

Submissions (2):

Labcorp Genetics (formerly Invitae), Labcorp
Classification: Uncertain significance. Last evaluated: 2025-04-17. Review status: criteria provided, single submitter. Criteria: Invitae Variant Classification Sherloc (09022015). Collection method: clinical testing. Allele origin: germline.
Comment: This sequence change replaces glycine, which is neutral and non-polar, with valine, which is neutral and non-polar, at codon 259 of the SIX5 protein (p.Gly259Val). This variant is present in population databases (no rsID available, gnomAD 0.003%). This variant has not been reported in the literature in individuals affected with SIX5-related conditions. ClinVar contains an entry for this variant (Variation ID: 3584010). Invitae Evidence Modeling of protein sequence and biophysical properties (such as structural, functional, and spatial information, amino acid conservation, physicochemical variation, residue mobility, and thermodynamic stability) indicates that this missense variant is not expected to disrupt SIX5 protein function with a negative predictive value of 80%. In summary, the available evidence is currently insufficient to determine the role of this variant in disease. Therefore, it has been classified as a Variant of Uncertain Significance.

Fulgent Genetics
Classification: Uncertain significance for Branchiootorenal syndrome 2. Last evaluated: 2024-05-12. Review status: criteria provided, single submitter. Criteria: ACMG Guidelines, 2015. Collection method: clinical testing. Allele origin: germline.